The following is an entry in ClinVar:

ClinVar aggregate classification (germline): Uncertain significance (1 of 4 stars; one submission).

Allele frequency attached by ClinVar (database versions not stated): TOPMed below 0.00001; ExAC 0.00002.
gnomAD v4.1: 2 of 1,597,596 alleles (0.00013%); highest among the groups gnomAD compares: South Asian, 0.0022%; no homozygotes.

Submission:

Labcorp Genetics (formerly Invitae), Labcorp
Classification: Uncertain significance. Last evaluated: 2022-03-10. Review status: criteria provided, single submitter. Criteria: Invitae Variant Classification Sherloc (09022015). Collection method: clinical testing. Allele origin: germline.
Comment: This sequence change replaces histidine, which is basic and polar, with glutamine, which is neutral and polar, at codon 211 of the PRDM13 protein (p.His211Gln). The frequency data for this variant in the population databases is considered unreliable, as metrics indicate poor data quality at this position in the gnomAD database. This variant has not been reported in the literature in individuals affected with PRDM13-related conditions. ClinVar contains an entry for this variant (Variation ID: 954751). Algorithms developed to predict the effect of missense changes on protein structure and function output the following: SIFT: "Tolerated"; PolyPhen-2: "Benign"; Align-GVGD: "Class C0". The glutamine amino acid residue is found in multiple mammalian species, which suggests that this missense change does not adversely affect protein function. In summary, the available evidence is currently insufficient to determine the role of this variant in disease. Therefore, it has been classified as a Variant of Uncertain Significance.

NM_021620.4(PRDM13):c.633C>A (p.His211Gln)

Gene: PRDM13 (PR/SET domain 13; plus strand). Cytogenetic location: 6q16.2.
Variant type: single nucleotide variant.
Coding change: c.633C>A on transcript NM_021620.4 (MANE Select); coding-DNA position 633, C replaced by A.
Protein change: p.His211Gln; replaces histidine 211 with glutamine.
Molecular consequence: missense variant.
Genome position (GRCh38, 1-based): chr6:99,613,268, C>A. VCF-style: chr6-99613268-C-A. GRCh37 (hg19) VCF-style: chr6-100061144-C-A.
Other names: short protein forms H211Q.
Identifiers: ClinVar variation 954751 (VCV000954751.9), dbSNP rs773940126, ClinGen allele CA3936246.